The following is an entry in ClinVar:

ClinVar aggregate classification (germline): Pathogenic (1 of 4 stars; one submission).

Conditions:
Neurofibromatosis, type 1 (NF1). Also called: Neurofibromatosis, type I; Peripheral type neurofibromatosis; NEUROFIBROMATOSIS, TYPE I, SOMATIC; VON RECKLINGHAUSEN DISEASE. Identifiers: Orphanet 636, MedGen C0027831, MONDO:0018975, OMIM 162200. Disease mechanism: loss of function.

Submission:

Labcorp Genetics (formerly Invitae), Labcorp
Classification: Pathogenic for Neurofibromatosis, type 1. Last evaluated: 2022-05-30. Review status: criteria provided, single submitter. Criteria: Invitae Variant Classification Sherloc (09022015). Collection method: clinical testing. Allele origin: germline.
Comment: For these reasons, this variant has been classified as Pathogenic. This sequence change creates a premature translational stop signal (p.Pro1527Valfs*27) in the NF1 gene. It is expected to result in an absent or disrupted protein product. Loss-of-function variants in NF1 are known to be pathogenic (PMID: 10712197, 23913538). This variant is not present in population databases (gnomAD no frequency). This variant has not been reported in the literature in individuals affected with NF1-related conditions.

Literature cited by the submitters: PubMed 10712197; PubMed 23913538.

NM_001042492.3(NF1):c.4639_4640dup (p.Pro1548fs)

Gene: NF1 (neurofibromin 1; plus strand). Cytogenetic location: 17q11.2.
Variant type: Duplication.
Coding change: c.4639_4640dup on transcript NM_001042492.3 (MANE Select); coding-DNA positions 4639 to 4640, 2 bases duplicated (GG; older notation c.4639_4640dupGG).
Protein change: p.Pro1548fs; shifts the reading frame from proline 1548.
Molecular consequence: frameshift variant.
Genome position (GRCh38, 1-based): chr17:31,261,772-31,261,773, GG duplicated; duplicating any 2 consecutive bases within chr17:31,261,771-31,261,773 gives the same sequence; the c. name uses the placement nearest the transcript's 3' end. VCF-style (leftmost placement, unchanged base first): chr17-31261770-T-TGG. GRCh37 (hg19) VCF-style: chr17-29588788-T-TGG.
Other names: c.4576_4577dup, p.Pro1527Valfs (NM_000267.4); short protein forms P1527fs, P1548fs.
Identifiers: ClinVar variation 2000853 (VCV002000853.4), dbSNP rs2067690686, ClinGen allele CA2580093299.